The following is an entry in ClinVar:

ClinVar aggregate classification (germline): Uncertain significance (1 of 4 stars; one submission).

Allele frequency attached by ClinVar (database versions not stated): ESP Exome Variant Server 0.00008; ExAC 0.00002; TOPMed 0.00007; gnomAD 0.00011.
gnomAD v4.1: 23 of 1,614,000 alleles (0.0014%); highest among the groups gnomAD compares: African/African-American, 0.028%; no homozygotes.

Submission:

Labcorp Genetics (formerly Invitae), Labcorp
Classification: Uncertain significance. Last evaluated: 2025-06-02. Review status: criteria provided, single submitter. Criteria: Invitae Variant Classification Sherloc (09022015). Collection method: clinical testing. Allele origin: germline.
Comment: This sequence change replaces valine, which is neutral and non-polar, with leucine, which is neutral and non-polar, at codon 1068 of the KMT2E protein (p.Val1068Leu). This variant is present in population databases (rs371435040, gnomAD 0.03%). This variant has not been reported in the literature in individuals affected with KMT2E-related conditions. ClinVar contains an entry for this variant (Variation ID: 2722317). An algorithm developed to predict the effect of missense changes on protein structure and function (PolyPhen-2) suggests that this variant is likely to be tolerated. In summary, the available evidence is currently insufficient to determine the role of this variant in disease. Therefore, it has been classified as a Variant of Uncertain Significance.

NM_182931.3(KMT2E):c.3202G>T (p.Val1068Leu)

Gene: KMT2E (lysine methyltransferase 2E (inactive); plus strand). Cytogenetic location: 7q22.3.
Variant type: single nucleotide variant.
Coding change: c.3202G>T on transcript NM_182931.3 (MANE Select); coding-DNA position 3202, G replaced by T.
Protein change: p.Val1068Leu; replaces valine 1068 with leucine.
Molecular consequence: missense variant.
Genome position (GRCh38, 1-based): chr7:105,107,659, G>T. VCF-style: chr7-105107659-G-T. GRCh37 (hg19) VCF-style: chr7-104748106-G-T.
Other names: c.3202G>T, p.Val1068Leu (NM_001410908.1, NM_018682.4); short protein forms V1068L.
Identifiers: ClinVar variation 2722317 (VCV002722317.3), dbSNP rs371435040, ClinGen allele CA4424430.